The following is an entry in ClinVar:

ClinVar aggregate classification (germline): Uncertain significance (1 of 4 stars; one submission).

Allele frequency attached by ClinVar (database versions not stated): gnomAD exomes below 0.00001; TOPMed below 0.00001; gnomAD 0.00001.
gnomAD v4.1: 6 of 1,614,050 alleles (0.00037%); highest among the groups gnomAD compares: African/African-American, 0.0027%; no homozygotes.

Submission:

Labcorp Genetics (formerly Invitae), Labcorp
Classification: Uncertain significance. Last evaluated: 2022-10-13. Review status: criteria provided, single submitter. Criteria: Invitae Variant Classification Sherloc (09022015). Collection method: clinical testing. Allele origin: germline.
Comment: In summary, the available evidence is currently insufficient to determine the role of this variant in disease. Therefore, it has been classified as a Variant of Uncertain Significance. Advanced modeling of protein sequence and biophysical properties (such as structural, functional, and spatial information, amino acid conservation, physicochemical variation, residue mobility, and thermodynamic stability) performed at Invitae indicates that this missense variant is not expected to disrupt MYH3 protein function. This variant has not been reported in the literature in individuals affected with MYH3-related conditions. This variant is present in population databases (no rsID available, gnomAD 0.004%). This sequence change replaces alanine, which is neutral and non-polar, with threonine, which is neutral and polar, at codon 1914 of the MYH3 protein (p.Ala1914Thr).

NM_002470.4(MYH3):c.5740G>A (p.Ala1914Thr)

Gene: MYH3 (myosin heavy chain 3; minus strand). Cytogenetic location: 17p13.1.
Variant type: single nucleotide variant.
Coding change: c.5740G>A on transcript NM_002470.4 (MANE Select); coding-DNA position 5740, G replaced by A.
Protein change: p.Ala1914Thr; replaces alanine 1914 with threonine.
Molecular consequence: missense variant.
Genome position (GRCh38, 1-based): chr17:10,629,653, C>T on the plus strand (G>A on the coding strand, the complement: MYH3 is on the minus strand). VCF-style: chr17-10629653-C-T. GRCh37 (hg19) VCF-style: chr17-10532970-C-T.
Other names: short protein forms A1914T.
Identifiers: ClinVar variation 1980725 (VCV001980725.4), dbSNP rs1169141194, ClinGen allele CA398129440.
Genomic context (GRCh38, chr17:10,629,653, plus strand): 5'-TCACCCTGCTGGAGGTGAAGTCTCGAGTCTTAGCGCGGAGCTTGTTGACTTGAGATTCTG[C>T]GATATCCGCACGTTCCTCGGCCTCCTCCAGCTCATGCTGAGCCTTTCGGAATTTGGTGAG-3'
Protein context (NP_002461.2, residues 1904-1924): LEEAEERADI[Ala1914Thr]ESQVNKLRAK